The following is an entry in ClinVar:

ClinVar aggregate classification (germline): Benign/Likely benign. Review status: criteria provided, multiple submitters, no conflicts (2 of 4 stars). 4 submissions from 4 submitters: Benign (2); Likely benign (1). 1 of the submissions does not count toward it. Last evaluated 2026-06-18.

Conditions:
Hereditary cancer-predisposing syndrome. Also called: Hereditary Cancer Syndrome; Neoplastic Syndromes, Hereditary; Tumor predisposition; Hereditary neoplastic syndrome. Identifiers: Orphanet 140162, MedGen C0027672, MeSH D009386, MONDO:0015356.
Retinoblastoma (RB1). Also called: RETINOBLASTOMA, SOMATIC. Identifiers: Orphanet 790, MedGen C0035335, MeSH D012175, MONDO:0008380, OMIM 180200, HP:0009919. Disease mechanism: loss of function. Inheritance: Both sporadic and heritable forms are tested..

Allele frequency attached by ClinVar (database versions not stated): 1000 Genomes Project 0.00040; 1000 Genomes Project 30x 0.00047; gnomAD exomes 0.00001 and 0.00004; ExAC 0.00006; gnomAD 0.00001; TOPMed 0.00003.
gnomAD v4.1: 12 of 1,609,780 alleles (0.00075%); highest among the groups gnomAD compares: East Asian, 0.022%; no homozygotes.

Submissions (4):

Myriad Genetics, Inc.
Classification: Likely benign for Retinoblastoma. Last evaluated: 2026-06-18. Review status: criteria provided, single submitter. Criteria: Myriad Autosomal Dominant, Autosomal Recessive and X-Linked Classification Criteria (2023). Collection method: clinical testing. Allele origin: unknown.
Comment: This variant is considered likely benign. This variant has been observed at a population frequency that is significantly greater than expected given the associated disease prevalence and penetrance.

Labcorp Genetics (formerly Invitae), Labcorp
Classification: Benign for Retinoblastoma. Last evaluated: 2026-01-26. Review status: criteria provided, single submitter. Criteria: Invitae Variant Classification Sherloc (09022015). Collection method: clinical testing. Allele origin: germline.

Ambry Genetics
Classification: Benign for Hereditary cancer-predisposing syndrome. Last evaluated: 2022-11-01. Review status: criteria provided, single submitter. Criteria: Ambry Variant Classification Scheme 2023. Collection method: clinical testing. Allele origin: germline.

ITMI
No classification provided. Condition: AllHighlyPenetrant. Last evaluated: 2013-09-19. Review status: no classification provided. Collection method: reference population. Allele origin: germline. Not counted in ClinVar's aggregate classification.
Comment: Please see associated publication for description of ethnicities

Literature cited by the submitters: PubMed 24728327 (cited by ITMI).

NM_000321.3(RB1):c.173C>T (p.Thr58Ile)

Gene: RB1 (RB transcriptional corepressor 1; plus strand). Cytogenetic location: 13q14.2.
Variant type: single nucleotide variant.
Coding change: c.173C>T on transcript NM_000321.3 (MANE Select); coding-DNA position 173, C replaced by T.
Protein change: p.Thr58Ile; replaces threonine 58 with isoleucine.
Molecular consequence: missense variant.
Genome position (GRCh38, 1-based): chr13:48,307,315, C>T. VCF-style: chr13-48307315-C-T. GRCh37 (hg19) VCF-style: chr13-48881451-C-T.
Other names: short protein forms T58I.
Identifiers: ClinVar variation 135123 (VCV000135123.13), dbSNP rs138574644, ClinGen allele CA026400.